The following is an entry in ClinVar:

ClinVar aggregate classification (germline): Uncertain significance. Review status: criteria provided, multiple submitters, no conflicts (2 of 4 stars). 3 submissions from 3 submitters: Uncertain significance (3). Last evaluated 2025-01-09.

Conditions:
Hereditary cancer-predisposing syndrome. Also called: Hereditary neoplastic syndrome; Neoplastic Syndromes, Hereditary; Tumor predisposition; Hereditary Cancer Syndrome. Identifiers: Orphanet 140162, MedGen C0027672, MeSH D009386, MONDO:0015356.

Allele frequency attached by ClinVar (database versions not stated): gnomAD exomes below 0.00001.

Submissions (3):

Quest Diagnostics Nichols Institute San Juan Capistrano
Classification: Uncertain significance. Last evaluated: 2025-01-09. Review status: criteria provided, single submitter. Criteria: Quest Diagnostics criteria. Collection method: clinical testing. Allele origin: unknown.
Comment: The XRCC2 c.731_732del (p.Gln244Argfs*2) variant alters the translational reading frame of the XRCC2 mRNA. This variant is not expected to cause loss of protein expression through nonsense-mediated decay. However, it disrupts a substantial portion of the protein, and therefore, is expected to disrupt its function. This variant has not been reported in individuals with XRCC2-related conditions in the published literature. This variant has not been reported in large, multi-ethnic general populations (Genome Aggregation Database). Based on the available information, we are unable to determine the clinical significance of this variant.

Ambry Genetics
Classification: Uncertain significance for Hereditary cancer-predisposing syndrome. Last evaluated: 2023-04-25. Review status: criteria provided, single submitter. Criteria: Ambry Variant Classification Scheme 2023. Collection method: clinical testing. Allele origin: germline.
Comment: The c.731_732delAA variant, located in coding exon 3 of the XRCC2 gene, results from a deletion of two nucleotides at nucleotide positions 731 to 732, causing a translational frameshift with a predicted alternate stop codon (p.Q244Rfs*2). This alteration occurs at the 3' terminus of theXRCC2 gene, is not expected to trigger nonsense-mediated mRNAdecay, and only impacts the last 37 amino acids (13.2%) of the protein. The exact functional effect of this alteration is unknown. Since supporting evidence is limited at this time, the clinical significance of this alteration remains unclear.

Labcorp Genetics (formerly Invitae), Labcorp
Classification: Uncertain significance. Last evaluated: 2019-04-17. Review status: criteria provided, single submitter. Criteria: Invitae Variant Classification Sherloc (09022015). Collection method: clinical testing. Allele origin: germline.
Comment: This variant has not been reported in the literature in individuals with XRCC2-related conditions. This sequence change results in a premature translational stop signal in the XRCC2 gene (p.Gln244Argfs*2). While this is not anticipated to result in nonsense mediated decay, it is expected to disrupt the last 37 amino acids of the XRCC2 protein. This variant is not present in population databases (ExAC no frequency). Experimental studies and prediction algorithms are not available for this variant, and the functional significance of the affected amino acid(s) is currently unknown. In summary, the available evidence is currently insufficient to determine the role of this variant in disease. Therefore, it has been classified as a Variant of Uncertain Significance.

NM_005431.2(XRCC2):c.731_732del (p.Gln244fs)

Gene: XRCC2 (X-ray repair cross complementing 2; minus strand). Cytogenetic location: 7q36.1.
Variant type: Deletion.
Coding change: c.731_732del on transcript NM_005431.2 (MANE Select); coding-DNA positions 731 to 732, 2 bases deleted (AA; older notation c.731_732delAA).
Protein change: p.Gln244fs; shifts the reading frame from glutamine 244.
Molecular consequence: frameshift variant.
Genome position (GRCh38, 1-based): chr7:152,648,753-152,648,754, TT deleted on the plus strand (AA on the coding strand, the reverse complement: XRCC2 is on the minus strand). VCF-style (leftmost placement, unchanged base first): chr7-152648752-CTT-C. GRCh37 (hg19) VCF-style: chr7-152345837-CTT-C.
Other names: c.731_732delAA (NM_005431.1); short protein forms Q244fs.
Identifiers: ClinVar variation 835929 (VCV000835929.12), dbSNP rs2098027152, ClinGen allele CA916082967.